The following is an entry in ClinVar:

ClinVar aggregate classification (germline): Uncertain significance. Review status: criteria provided, multiple submitters, no conflicts (2 of 4 stars). 9 submissions from 9 submitters: Uncertain significance (8). 1 of the submissions does not count toward it. Last evaluated 2026-04-08.

Conditions:
Inherited breast cancer and ovarian cancer.
Hereditary cancer-predisposing syndrome. Also called: Hereditary neoplastic syndrome; Hereditary Cancer Syndrome; Tumor predisposition; Neoplastic Syndromes, Hereditary. Identifiers: Orphanet 140162, MedGen C0027672, MeSH D009386, MONDO:0015356.
Glioma susceptibility 3 (GLM3). Also called: Glioblastoma 3. Identifiers: Orphanet 182067, Orphanet 360, MedGen C2751641, MONDO:0013093, OMIM 613029.
Prostate cancer. Also called: Malignant tumor of prostate. Identifiers: Orphanet 1331, MedGen C0376358, MONDO:0008315, HP:0012125.
Breast-ovarian cancer, familial, susceptibility to, 2 (BROVCA2). Also called: BRCA2 Hereditary Breast and Ovarian Cancer. Identifiers: Orphanet 145, MedGen C2675520, MONDO:0012933, OMIM 612555. Disease mechanism: loss of function.
Wilms tumor 1 (WT1). Also called: Wilms tumor, somatic. Identifiers: Orphanet 654, MedGen CN033288, MONDO:0008679, OMIM 194070.
Medulloblastoma (MDB). Also called: MEDULLOBLASTOMA PREDISPOSITION SYNDROME; Medulloblastoma, somatic. Identifiers: Orphanet 616, MedGen C0025149, MeSH D008527, MONDO:0007959, OMIM 155255, HP:0002885.
Fanconi anemia complementation group D1. Also called: BRCA2-Related Fanconi Anemia. Identifiers: Orphanet 319462, MedGen C1838457, MONDO:0011584, OMIM 605724.
Familial cancer of breast. Also called: Hereditary breast cancer; hereditary breast carcinoma; BREAST CANCER, FAMILIAL. Identifiers: Orphanet 227535, MedGen C0346153, MONDO:0016419, OMIM 114480. Disease mechanism: loss of function.
Pancreatic cancer, susceptibility to, 2. Identifiers: Orphanet 1333, MedGen C3150546, MONDO:0013235, OMIM 613347.
Hereditary breast ovarian cancer syndrome. Also called: Breast and ovarian cancer; Hereditary breast and/or ovarian cancer syndrome; Hereditary breast and ovarian cancer; Hereditary breast and ovarian cancer syndrome; BRCA1- and BRCA2-Associated Hereditary Breast and Ovarian Cancer; Hereditary breast and ovarian cancer syndrome (HBOC). Identifiers: Orphanet 145, MedGen C0677776, MeSH D061325, MONDO:0003582. Disease mechanism: loss of function.

Submissions (9):

Genomics and Molecular Medicine Service, East Genomic Laboratory Hub, NHS Genomic Medicine Service
Classification: Uncertain significance for Inherited breast cancer and ovarian cancer. Last evaluated: 2026-04-08. Review status: criteria provided, single submitter. Criteria: ACGS Best Practice Guidelines for Variant Classification in Rare Disease 2020. Collection method: clinical testing. Allele origin: germline. Affected: yes.
Comment: PM1_Supporting,PM2_Supporting

Ambry Genetics
Classification: Uncertain significance for Hereditary cancer-predisposing syndrome. Last evaluated: 2025-08-22. Review status: criteria provided, single submitter. Criteria: Ambry Variant Classification Scheme 2023. Collection method: clinical testing. Allele origin: germline.
Comment: The c.5229_5231delTAG variant (also known as p.S1744del) is located in coding exon 10 of the BRCA2 gene. This variant results from an in-frame TAG deletion at nucleotide positions 5229 to 5231. This results in the in-frame deletion of a serine at codon 1744. This amino acid position is not well conserved in available vertebrate species. In addition, the in silico prediction for this alteration is inconclusive (Choi Y et al. PLoS ONE. 2012; 7(10):e46688). Based on the available evidence, the clinical significance of this variant remains unclear.

Labcorp Genetics (formerly Invitae), Labcorp
Classification: Uncertain significance for Hereditary breast ovarian cancer syndrome. Last evaluated: 2024-12-17. Review status: criteria provided, single submitter. Criteria: Invitae Variant Classification Sherloc (09022015). Collection method: clinical testing. Allele origin: germline.
Comment: This variant, c.5229_5231del, results in the deletion of 1 amino acid(s) of the BRCA2 protein (p.Ser1744del), but otherwise preserves the integrity of the reading frame. This variant is not present in population databases (gnomAD no frequency). This variant has not been reported in the literature in individuals affected with BRCA2-related conditions. ClinVar contains an entry for this variant (Variation ID: 37953). Experimental studies and prediction algorithms are not available or were not evaluated, and the functional significance of this variant is currently unknown. In summary, the available evidence is currently insufficient to determine the role of this variant in disease. Therefore, it has been classified as a Variant of Uncertain Significance.

All of Us Research Program, National Institutes of Health
Classification: Uncertain significance for Breast-ovarian cancer, familial, susceptibility to, 2. Last evaluated: 2023-09-04. Review status: criteria provided, single submitter. Criteria: ACMG Guidelines, 2015. Collection method: clinical testing. Allele origin: germline. Inheritance: Autosomal dominant inheritance. Observed: 1 variant allele, 1 heterozygote.
Comment: This variant causes an in-frame deletion of 1 amino acid, serine 1744, in the BRCA2 protein. To our knowledge, functional studies have not been reported for this variant. This variant has been reported in a multifactorial analysis with co-occurrence and family history likelihood ratios for pathogenicity of 1.1021 and 1.4673, respectively (PMID: 31131967). This variant has not been identified in the general population by the Genome Aggregation Database (gnomAD). The available evidence is insufficient to determine the role of this variant in disease conclusively. Therefore, this variant is classified as a Variant of Uncertain Significance.

This study involves interpretation of variants in research participants for the purpose of population health screening. Participant phenotype was not available at the time of variant classification. Additional details can be found in publication PMID: 35346344, PMCID: PMC8962531

Color Diagnostics, LLC DBA Color Health
Classification: Uncertain significance for Hereditary cancer-predisposing syndrome. Last evaluated: 2023-08-23. Review status: criteria provided, single submitter. Criteria: ACMG Guidelines, 2015. Collection method: clinical testing. Allele origin: germline.
Comment: This variant causes an in-frame deletion of 1 amino acid, serine 1744, in the BRCA2 protein. To our knowledge, functional studies have not been reported for this variant. This variant has been reported in a multifactorial analysis with co-occurrence and family history likelihood ratios for pathogenicity of 1.1021 and 1.4673, respectively (PMID: 31131967). This variant has not been identified in the general population by the Genome Aggregation Database (gnomAD). The available evidence is insufficient to determine the role of this variant in disease conclusively. Therefore, this variant is classified as a Variant of Uncertain Significance.

Fulgent Genetics
Classification: Uncertain significance for Familial cancer of breast; Medulloblastoma; Familial prostate cancer; Wilms tumor 1; Fanconi anemia complementation group D1; Breast-ovarian cancer, familial, susceptibility to, 2; Glioma susceptibility 3; Pancreatic cancer, susceptibility to, 2. Last evaluated: 2022-04-06. Review status: criteria provided, single submitter. Criteria: ACMG Guidelines, 2015. Collection method: clinical testing. Allele origin: unknown.

National Health Laboratory Service, Universitas Academic Hospital and University of the Free State
Classification: Uncertain significance for Hereditary breast ovarian cancer syndrome. Last evaluated: 2021-11-16. Review status: criteria provided, single submitter. Criteria: ACMG Guidelines, 2015. Collection method: clinical testing. Allele origin: germline. Affected: yes. Observed: 3 variant alleles.

Women's Health and Genetics/Laboratory Corporation of America, LabCorp
Classification: Uncertain significance. Last evaluated: 2016-12-27. Review status: criteria provided, single submitter. Criteria: LabCorp Variant Classification Summary - May 2015. Collection method: clinical testing. Allele origin: germline.
Comment: Variant summary: The BRCA2 c.5229_5231delTAG (p.Ser1744del) variant involves the deletion of three adjacent nucleotides resulted in frame deletion of one amino acid. One in silico tool predicts a disease-causing outcome for this variant. 5/5 splice prediction tools predict no significant impact on normal splicing. ESE finder predicts that this variant may affect ESE site of SRp40. However, these predictions have yet to be confirmed by functional studies. This variant is absent in 120118 control chromosomes. In addition, one clinical diagnostic laboratory classified this variant as uncertain significance, and SCRP classified this variant as pathogenic. The variant of interest has not, to our knowledge, been reported in affected individuals via publications and/or reputable databases/clinical diagnostic laboratories; nor evaluated for functional impact by in vivo/vitro studies. Because of the absence of clinical information and the lack of functional studies, the variant is classified as a variant of uncertain significance (VUS) until additional information becomes available.

Sharing Clinical Reports Project (SCRP)
Classification: Pathogenic for Breast-ovarian cancer, familial 2. Last evaluated: 2008-08-26. Review status: no assertion criteria provided. Collection method: clinical testing. Allele origin: germline. Not counted in ClinVar's aggregate classification.

Literature cited by the submitters: PubMed 31131967 (cited by All of Us Research Program, National Institutes of Health and Color Diagnostics, LLC DBA Color Health); DOI 10.3389/fgene.2022.834265 (cited by National Health Laboratory Service, Universitas Academic Hospital and University of the Free State).

NM_000059.4(BRCA2):c.5229_5231del (p.Ser1744del)

Gene: BRCA2 (BRCA2 DNA repair associated; plus strand). Cytogenetic location: 13q13.1.
Variant type: Deletion.
Coding change: c.5229_5231del on transcript NM_000059.4 (MANE Select); coding-DNA positions 5229 to 5231, 3 bases deleted (TAG; older notation c.5229_5231delTAG).
Protein change: p.Ser1744del; deletes serine 1744.
Molecular consequence: inframe deletion.
Genome position (GRCh38, 1-based): chr13:32,339,584-32,339,586, TAG deleted; deleting any 3 consecutive bases within chr13:32,339,582-32,339,586 gives the same sequence; the c. name uses the placement nearest the transcript's 3' end. VCF-style (leftmost placement, unchanged base first): chr13-32339581-CAGT-C. GRCh37 (hg19) VCF-style: chr13-32913718-CAGT-C.
Other names: NP_000050.3:p.Ser1744del; 5457del3; c.5229_5231delTAG (NM_000059.3); short protein forms S1744del.
Identifiers: ClinVar variation 37953 (VCV000037953.39), dbSNP rs397507349, ClinGen allele CA021798.